The following is an entry in ClinVar:

ClinVar aggregate classification (germline): Conflicting classifications of pathogenicity. Review status: criteria provided, conflicting classifications (1 of 4 stars). 3 submissions from 3 submitters: Likely pathogenic (2); Uncertain significance (1). Last evaluated 2024-05-16.

Conditions:
Intellectual developmental disorder, X-linked, syndromic, Siderius type. Also called: Syndromic X-linked intellectual disability Siderius type. Identifiers: Orphanet 85287, MedGen C1846055, MONDO:0010286, OMIM 300263.
Developmental and epileptic encephalopathy. Identifiers: MedGen C5779964, MONDO:0100620.

gnomAD v4.1: 2 of 1,197,785 alleles (0.00017%); highest among the groups gnomAD compares: Non-Finnish European, 0.00023%; no homozygotes.

Submissions (3):

Fulgent Genetics
Classification: Likely pathogenic for Intellectual developmental disorder, X-linked, syndromic, Siderius type. Last evaluated: 2024-05-16. Review status: criteria provided, single submitter. Criteria: ACMG Guidelines, 2015. Collection method: clinical testing. Allele origin: germline.

Institute of Human Genetics, University of Leipzig Medical Center
Classification: Uncertain significance for Intellectual developmental disorder, X-linked, syndromic, Siderius type. Last evaluated: 2024-04-03. Review status: criteria provided, single submitter. Criteria: ACMG Guidelines, 2015. Collection method: clinical testing. Allele origin: unknown. Inheritance: X-linked recessive inheritance. Affected: yes.
Comment: Criteria applied: PVS1

AURAGEN, Plan France Médecine Génomique
Classification: Likely pathogenic for Developmental and epileptic encephalopathy. Last evaluated: 2021-11-19. Review status: criteria provided, single submitter. Criteria: PFMG2025 (Lancet Reg Health Eur. 2025). Collection method: clinical testing. Allele origin: germline. Affected: yes.

NM_015107.3(PHF8):c.1731-1G>C

Gene: PHF8 (PHD finger protein 8; minus strand). Cytogenetic location: Xp11.22.
Variant type: single nucleotide variant.
Coding change: c.1731-1G>C on transcript NM_015107.3 (MANE Select); the canonical splice acceptor site of the intron before coding-DNA position 1731, G replaced by C.
Molecular consequence: splice acceptor variant.
Genome position (GRCh38, 1-based): chrX:53,987,945, C>G on the plus strand (G>C on the coding strand, the complement: PHF8 is on the minus strand). VCF-style: chrX-53987945-C-G. GRCh37 (hg19) VCF-style: chrX-54014378-C-G.
Other names: c.1839-1G>C (NM_001184896.1); c.1428-1G>C (NM_001184897.2); c.1731-1G>C (NM_001184898.2).
Identifiers: ClinVar variation 3358940 (VCV003358940.4).